The following is an entry in ClinVar:

ClinVar aggregate classification (germline): Uncertain significance (1 of 4 stars; one submission).

Conditions:
Duchenne muscular dystrophy (DMD). Also called: Duchenne Muscular Dystrophy (DMD); MUSCULAR DYSTROPHY, PSEUDOHYPERTROPHIC PROGRESSIVE, DUCHENNE TYPE. Identifiers: Orphanet 98896, MedGen C0013264, MONDO:0010679, OMIM 310200.

Submission:

Labcorp Genetics (formerly Invitae), Labcorp
Classification: Uncertain significance for Duchenne muscular dystrophy. Last evaluated: 2022-08-09. Review status: criteria provided, single submitter. Criteria: Invitae Variant Classification Sherloc (09022015). Collection method: clinical testing. Allele origin: germline.
Comment: In summary, the available evidence is currently insufficient to determine the role of this variant in disease. Therefore, it has been classified as a Variant of Uncertain Significance. Experimental studies and prediction algorithms are not available or were not evaluated, and the functional significance of this variant is currently unknown. This variant has not been reported in the literature in individuals affected with DMD-related conditions. This variant results in a copy number gain of the genomic region encompassing exon(s) 7-11 of the DMD gene. While the exact position of this variant cannot be determined from the data, sub-genic copy number gains are generally in tandem (PMID: 25640679). This variant is predicted to be in-frame, and likely preserves the integrity of the reading frame.

Literature cited by the submitters: PubMed 25640679.

NC_000023.11:g.(?_32644122)_(32809627_?)dup

Gene: DMD (dystrophin; minus strand). Cytogenetic location: Xp21.1.
Variant type: Duplication.
Identifiers: ClinVar variation 831920 (VCV000831920.8).